The following is an entry in ClinVar:

ClinVar aggregate classification (germline): Uncertain significance (0 of 4 stars; one submission).

Conditions:
TBX3-related disorder. Also called: TBX3-related condition.

gnomAD v4.1: 1 of 1,614,008 alleles (0.000062%); highest among the groups gnomAD compares: African/African-American, 0.0013%; no homozygotes.

Submission:

PreventionGenetics, part of Exact Sciences
Classification: Uncertain significance for TBX3-related condition. Last evaluated: 2024-03-05. Review status: no assertion criteria provided. Collection method: clinical testing. Allele origin: germline.
Comment: The TBX3 c.717G>A variant is not predicted to result in an amino acid change (p.=). This variant is located at the last nucleotide of the exon and is predicted to weaken the donor splice site and may result in aberrant splicing. To our knowledge, this variant has not been reported in the literature or in a large population database, indicating this variant is rare. At this time, the clinical significance of this variant is uncertain due to the absence of conclusive functional and genetic evidence.

NM_005996.4(TBX3):c.658-262G>A

Gene: TBX3 (T-box transcription factor 3; minus strand). Cytogenetic location: 12q24.21.
Variant type: single nucleotide variant.
Coding change: c.658-262G>A on transcript NM_005996.4 (MANE Select); 262 bases into the intron before coding-DNA position 658, G replaced by A.
Molecular consequence: intron variant. On other transcripts: synonymous variant (1).
Genome position (GRCh38, 1-based): chr12:114,679,913, C>T on the plus strand (G>A on the coding strand, the complement: TBX3 is on the minus strand). VCF-style: chr12-114679913-C-T. GRCh37 (hg19) VCF-style: chr12-115117718-C-T.
Other names: c.717G>A, p.Gln239= (NM_016569.4).
Identifiers: ClinVar variation 3349203 (VCV003349203.1).